The following is an entry in ClinVar:

NM_000051.4(ATM):c.7636del (p.Ser2546fs)

Genes: ATM (ATM serine/threonine kinase; plus strand), C11orf65 (chromosome 11 open reading frame 65; minus strand). Cytogenetic location: 11q22.3.
Variant type: Deletion.
Coding change: c.7636del on transcript NM_000051.4 (MANE Select); coding-DNA position 7636, one base deleted (T; older notation c.7636delT).
Protein change: p.Ser2546fs; shifts the reading frame from serine 2546.
Molecular consequence: frameshift variant. On other transcripts: intron variant (2).
Genome position (GRCh38, 1-based): chr11:108,331,885, T deleted. VCF-style (leftmost placement, unchanged base first): chr11-108331884-CT-C. GRCh37 (hg19) VCF-style: chr11-108202611-CT-C.
Other names: c.7636del, p.Ser2546fs (NM_001351834.2); c.641-22814del (NM_001330368.2); c.*38+3335del (NM_001351110.2); short protein forms S2546fs.
Identifiers: ClinVar variation 2431326 (VCV002431326.1), dbSNP rs2547281251, ClinGen allele CA2580083527.
Genomic context (GRCh38, chr11:108,331,884, plus strand): 5'-TATGGATTATATTTTTTTGTTTATTTGCATAAATCTAATAGTTCTTTTCTTACAGCTAAT[CT>C]CTAGAATTTCAATGGATCACCCCCATCACACTTTGTTTATTATACTGGCCTTAGCAAATG-3'

ClinVar aggregate classification (germline): Pathogenic (1 of 4 stars; one submission).

Conditions:
Familial cancer of breast. Also called: Hereditary breast cancer; BREAST CANCER, FAMILIAL; hereditary breast carcinoma. Identifiers: Orphanet 227535, MedGen C0346153, MONDO:0016419, OMIM 114480. Disease mechanism: loss of function.

Submission:

Myriad Genetics, Inc.
Classification: Pathogenic for Familial cancer of breast. Last evaluated: 2023-01-13. Review status: criteria provided, single submitter. Criteria: Myriad Autosomal Dominant, Autosomal Recessive and X-Linked Classification Criteria (2023). Collection method: clinical testing. Allele origin: unknown.
Comment: This variant is considered pathogenic. This variant creates a frameshift predicted to result in premature protein truncation.